The following is an entry in ClinVar:

NM_006017.3(PROM1):c.1559C>G (p.Thr520Arg)

Gene: PROM1 (prominin 1; minus strand). Cytogenetic location: 4p15.32.
Variant type: single nucleotide variant.
Coding change: c.1559C>G on transcript NM_006017.3 (MANE Select); coding-DNA position 1559, C replaced by G.
Protein change: p.Thr520Arg; replaces threonine 520 with arginine.
Molecular consequence: missense variant.
Genome position (GRCh38, 1-based): chr4:16,000,515, G>C on the plus strand (C>G on the coding strand, the complement: PROM1 is on the minus strand). VCF-style: chr4-16000515-G-C. GRCh37 (hg19) VCF-style: chr4-16002138-G-C.
Other names: c.1559C>G (NM_006017.2); c.1532C>G, p.Thr511Arg (NM_001145847.2, NM_001145848.2, NM_001145851.2 and 4 more transcripts); c.1559C>G, p.Thr520Arg (NM_001145849.2, NM_001145850.2); short protein forms T511R, T520R.
Identifiers: ClinVar variation 2498952 (VCV002498952.32), dbSNP rs371416551, ClinGen allele CA356433012.
Genomic context (GRCh38, chr4:16,000,515, plus strand): 5'-CTGTTCAAGTCCTTTCATAATGGGTAGAAAATCATATTTACCCGGAATAATTCCTTGCTC[G>C]TGTAAGGTTCACAGATCAGTTTTTCCACATTTGCACCAAAGACAAAGGTAAGAACCACAA-3'
Protein context (NP_006008.1, residues 510-530): NVEKLICEPY[Thr520Arg]SKELFRVLDT

ClinVar aggregate classification (germline): Uncertain significance. Review status: criteria provided, multiple submitters, no conflicts (2 of 4 stars). 3 submissions from 3 submitters: Uncertain significance (3). Last evaluated 2025-05-22.

Conditions:
PROM1-related disorder. Also called: PROM1-related condition; PROM1-related disorders.

gnomAD v4.1: 8 of 1,592,950 alleles (0.0005%); highest among the groups gnomAD compares: Non-Finnish European, 0.00069%; no homozygotes.

Submissions (3):

PreventionGenetics, part of Exact Sciences
Classification: Uncertain significance for PROM1-related condition. Last evaluated: 2025-05-22. Review status: criteria provided, single submitter. Criteria: ACMG Guidelines, 2015. Collection method: clinical testing. Allele origin: germline.
Comment: The PROM1 c.1559C>G variant is predicted to result in the amino acid substitution p.Thr520Arg. To our knowledge, this variant has not been reported in the literature. This variant is reported in 0.0065% of alleles in individuals of European (Non-Finnish) descent in gnomAD. At this time, the clinical significance of this variant is uncertain due to the absence of conclusive functional and genetic evidence.

Labcorp Genetics (formerly Invitae), Labcorp
Classification: Uncertain significance. Last evaluated: 2023-05-16. Review status: criteria provided, single submitter. Criteria: Invitae Variant Classification Sherloc (09022015). Collection method: clinical testing. Allele origin: germline.
Comment: This variant is present in population databases (no rsID available, gnomAD 0.007%). This variant has not been reported in the literature in individuals affected with PROM1-related conditions. ClinVar contains an entry for this variant (Variation ID: 2498952). This sequence change replaces threonine, which is neutral and polar, with arginine, which is basic and polar, at codon 520 of the PROM1 protein (p.Thr520Arg). Advanced modeling of protein sequence and biophysical properties (such as structural, functional, and spatial information, amino acid conservation, physicochemical variation, residue mobility, and thermodynamic stability) performed at Invitae indicates that this missense variant is not expected to disrupt PROM1 protein function. In summary, the available evidence is currently insufficient to determine the role of this variant in disease. Therefore, it has been classified as a Variant of Uncertain Significance.

CeGaT Center for Human Genetics Tuebingen
Classification: Uncertain significance. Last evaluated: 2023-02-01. Review status: criteria provided, single submitter. Criteria: CeGaT Center For Human Genetics Tuebingen Variant Classification Criteria Version 2. Collection method: clinical testing. Allele origin: germline. Affected: yes. Observed: 1 variant allele.
Comment: PROM1: PM2, BP4